The following is an entry in ClinVar:

ClinVar aggregate classification (germline): Uncertain significance (1 of 4 stars; one submission).

Conditions:
Neuronal ceroid lipofuscinosis. Also called: Neuronal Ceroid Lipofuscinoses. Identifiers: Orphanet 216, Orphanet 79263, MedGen C0027877, MONDO:0016295. Disease mechanism: loss of function.

Submission:

Labcorp Genetics (formerly Invitae), Labcorp
Classification: Uncertain significance for Neuronal ceroid lipofuscinosis. Last evaluated: 2025-10-26. Review status: criteria provided, single submitter. Criteria: Invitae Variant Classification Sherloc (09022015). Collection method: clinical testing. Allele origin: germline.
Comment: This sequence change replaces valine, which is neutral and non-polar, with methionine, which is neutral and non-polar, at codon 86 of the DNAJC5 protein (p.Val86Met). This variant is not present in population databases (gnomAD no frequency). This variant has not been reported in the literature in individuals affected with DNAJC5-related conditions. An algorithm developed to predict the effect of missense changes on protein structure and function (PolyPhen-2) suggests that this variant is likely to be disruptive. In summary, the available evidence is currently insufficient to determine the role of this variant in disease. Therefore, it has been classified as a Variant of Uncertain Significance.

NM_025219.3(DNAJC5):c.256G>A (p.Val86Met)

Gene: DNAJC5 (DnaJ heat shock protein family (Hsp40) member C5; plus strand). Cytogenetic location: 20q13.33.
Variant type: single nucleotide variant.
Coding change: c.256G>A on transcript NM_025219.3 (MANE Select); coding-DNA position 256, G replaced by A.
Protein change: p.Val86Met; replaces valine 86 with methionine.
Molecular consequence: missense variant.
Genome position (GRCh38, 1-based): chr20:63,929,460, G>A. VCF-style: chr20-63929460-G-A. GRCh37 (hg19) VCF-style: chr20-62560813-G-A.
Other names: short protein forms V86M.
Identifiers: ClinVar variation 4767031 (VCV004767031.1).